The following is an entry in ClinVar:

ClinVar aggregate classification (germline): Uncertain significance (1 of 4 stars; one submission).

Conditions:
Inborn genetic diseases. Identifiers: MedGen C0950123, MeSH D030342.

Allele frequency attached by ClinVar (database versions not stated): gnomAD exomes 0.00001; TOPMed 0.00001; ExAC 0.00002; gnomAD 0.00002; 1000 Genomes Project 30x 0.00031; 1000 Genomes Project 0.00040.
gnomAD v4.1: 11 of 1,614,184 alleles (0.00068%); highest among the groups gnomAD compares: East Asian, 0.025%; no homozygotes.

Submission:

Ambry Genetics
Classification: Uncertain significance for Inborn genetic diseases. Last evaluated: 2022-01-25. Review status: criteria provided, single submitter. Criteria: Ambry Variant Classification Scheme 2023. Collection method: clinical testing. Allele origin: germline.
Comment: The c.1403A>G (p.N468S) alteration is located in exon 7 (coding exon 7) of the TRAPPC9 gene. This alteration results from an A to G substitution at nucleotide position 1403, causing the asparagine (N) at amino acid position 468 to be replaced by a serine (S). Based on data from gnomAD, the G allele has an overall frequency of <0.01% (10/251470) total alleles studied. The highest observed frequency was 0.05% (10/18394) of East Asian alleles. This amino acid position is highly conserved in available vertebrate species. This alteration is predicted to be tolerated by in silico analysis. Based on insufficient or conflicting evidence, the clinical significance of this alteration remains unclear.

NM_001160372.4(TRAPPC9):c.1109A>G (p.Asn370Ser)

Gene: TRAPPC9 (trafficking protein particle complex subunit 9; minus strand). Cytogenetic location: 8q24.3.
Variant type: single nucleotide variant.
Coding change: c.1109A>G on transcript NM_001160372.4 (MANE Select); coding-DNA position 1109, A replaced by G.
Protein change: p.Asn370Ser; replaces asparagine 370 with serine.
Molecular consequence: missense variant. On other transcripts: non-coding transcript variant (1).
Genome position (GRCh38, 1-based): chr8:140,397,645, T>C on the plus strand (A>G on the coding strand, the complement: TRAPPC9 is on the minus strand). VCF-style: chr8-140397645-T-C. GRCh37 (hg19) VCF-style: chr8-141407744-T-C.
Other names: c.1082A>G, p.Asn361Ser (NM_001321646.2); c.1130A>G, p.Asn377Ser (NM_001374682.1); c.1109A>G, p.Asn370Ser (NM_001374683.1, NM_001374684.1, NM_031466.8); short protein forms N361S, N370S, N377S.
Identifiers: ClinVar variation 2268667 (VCV002268667.2), dbSNP rs192585023, ClinGen allele CA4893545.